The following is an entry in ClinVar:

ClinVar aggregate classification (germline): Uncertain significance. Review status: criteria provided, multiple submitters, no conflicts (2 of 4 stars). 2 submissions from 2 submitters: Uncertain significance (2). Last evaluated 2026-01-05.

Conditions:
Charcot-Marie-Tooth disease axonal type 2O. Also called: CHARCOT-MARIE-TOOTH NEUROPATHY, AXONAL, TYPE 2O; CHARCOT-MARIE-TOOTH DISEASE, AXONAL, AUTOSOMAL DOMINANT, TYPE 2O; Charcot-Marie-Tooth Neuropathy Type 2O; Charcot-Marie-Tooth disease, axonal, type 20. Identifiers: Orphanet 284232, MedGen C3280220, MONDO:0013644, OMIM 614228.

Allele frequency attached by ClinVar (database versions not stated): gnomAD exomes below 0.00001; gnomAD 0.00001; TOPMed 0.00001.
gnomAD v4.1: 2 of 1,614,052 alleles (0.00012%); highest among the groups gnomAD compares: African/African-American, 0.0013%; no homozygotes.

Submissions (2):

Labcorp Genetics (formerly Invitae), Labcorp
Classification: Uncertain significance for Charcot-Marie-Tooth disease axonal type 2O. Last evaluated: 2026-01-05. Review status: criteria provided, single submitter. Criteria: Invitae Variant Classification Sherloc (09022015). Collection method: clinical testing. Allele origin: germline.
Comment: This sequence change replaces serine, which is neutral and polar, with asparagine, which is neutral and polar, at codon 3277 of the DYNC1H1 protein (p.Ser3277Asn). This variant is not present in population databases (gnomAD no frequency). This variant has not been reported in the literature in individuals affected with DYNC1H1-related conditions. ClinVar contains an entry for this variant (Variation ID: 2444793). Invitae Evidence Modeling of protein sequence and biophysical properties (such as structural, functional, and spatial information, amino acid conservation, physicochemical variation, residue mobility, and thermodynamic stability) indicates that this missense variant is not expected to disrupt DYNC1H1 protein function with a negative predictive value of 95%. In summary, the available evidence is currently insufficient to determine the role of this variant in disease. Therefore, it has been classified as a Variant of Uncertain Significance.

GeneDx
Classification: Uncertain significance. Last evaluated: 2022-09-17. Review status: criteria provided, single submitter. Criteria: GeneDx Variant Classification Process June 2021. Collection method: clinical testing. Allele origin: germline. Affected: yes.
Comment: Not observed at significant frequency in large population cohorts (gnomAD); In silico analysis supports that this missense variant does not alter protein structure/function; Has not been previously published as pathogenic or benign to our knowledge; This variant is associated with the following publications: (PMID: 26100331, 25512093, 25609763)

NM_001376.5(DYNC1H1):c.9830G>A (p.Ser3277Asn)

Gene: DYNC1H1 (dynein cytoplasmic 1 heavy chain 1; plus strand). Cytogenetic location: 14q32.31.
Variant type: single nucleotide variant.
Coding change: c.9830G>A on transcript NM_001376.5 (MANE Select); coding-DNA position 9830, G replaced by A.
Protein change: p.Ser3277Asn; replaces serine 3277 with asparagine.
Molecular consequence: missense variant.
Genome position (GRCh38, 1-based): chr14:102,030,229, G>A. VCF-style: chr14-102030229-G-A. GRCh37 (hg19) VCF-style: chr14-102496566-G-A.
Other names: short protein forms S3277N.
Identifiers: ClinVar variation 2444793 (VCV002444793.2), dbSNP rs1461589823, ClinGen allele CA391018235.